The following is an entry in ClinVar:

ClinVar aggregate classification (germline): Likely pathogenic (1 of 4 stars; one submission).

Submission:

GeneDx
Classification: Likely pathogenic. Last evaluated: 2025-11-13. Review status: criteria provided, single submitter. Criteria: GeneDx Variant Classification Process June 2021. Collection method: clinical testing. Allele origin: germline. Affected: yes.
Comment: Not observed at significant frequency in large population cohorts (gnomAD); Has not been previously published as pathogenic or benign to our knowledge; Frameshift variant predicted to result in protein truncation or nonsense mediated decay in a gene for which loss of function is a known mechanism of disease

NM_014370.4(SRPK3):c.1014del (p.Gly340fs)

Gene: SRPK3 (SRSF protein kinase 3; plus strand). Cytogenetic location: Xq28.
Variant type: Deletion.
Coding change: c.1014del on transcript NM_014370.4 (MANE Select); coding-DNA position 1014, one base deleted (A; older notation c.1014delA).
Protein change: p.Gly340fs; shifts the reading frame from glycine 340.
Molecular consequence: frameshift variant. On other transcripts: intron variant (1).
Genome position (GRCh38, 1-based): chrX:153,784,080, A deleted. VCF-style (leftmost placement, unchanged base first): chrX-153784079-CA-C. GRCh37 (hg19) VCF-style: chrX-153049534-CA-C.
Other names: c.1011del, p.Gly339fs (NM_001170760.2); c.953-41del (NM_001170761.2); short protein forms G339fs, G340fs.
Identifiers: ClinVar variation 3600675 (VCV003600675.2).